The following is an entry in ClinVar:

ClinVar aggregate classification (germline): Pathogenic (1 of 4 stars; one submission).

Submission:

Labcorp Genetics (formerly Invitae), Labcorp
Classification: Pathogenic. Last evaluated: 2023-08-30. Review status: criteria provided, single submitter. Criteria: Invitae Variant Classification Sherloc (09022015). Collection method: clinical testing. Allele origin: germline.
Comment: For these reasons, this variant has been classified as Pathogenic. Algorithms developed to predict the effect of sequence changes on RNA splicing suggest that this variant may disrupt the consensus splice site. This sequence change creates a premature translational stop signal (p.Ile701Asnfs*3) in the VPS13A gene. It is expected to result in an absent or disrupted protein product. Loss-of-function variants in VPS13A are known to be pathogenic (PMID: 12404112, 21598378). This variant is not present in population databases (gnomAD no frequency). This variant has not been reported in the literature in individuals affected with VPS13A-related conditions.

Literature cited by the submitters: PubMed 12404112; PubMed 21598378.

NM_033305.3(VPS13A):c.2102_2103del (p.Ile701fs)

Gene: VPS13A (vacuolar protein sorting 13 homolog A; plus strand). Cytogenetic location: 9q21.2.
Variant type: Deletion.
Coding change: c.2102_2103del on transcript NM_033305.3 (MANE Select); coding-DNA positions 2102 to 2103, 2 bases deleted (TA; older notation c.2102_2103delTA).
Protein change: p.Ile701fs; shifts the reading frame from isoleucine 701.
Molecular consequence: frameshift variant.
Genome position (GRCh38, 1-based): chr9:77,250,161-77,250,162, TA deleted; deleting any 2 consecutive bases within chr9:77,250,160-77,250,162 gives the same sequence; the c. name uses the placement nearest the transcript's 3' end. VCF-style (leftmost placement, unchanged base first): chr9-77250159-GAT-G. GRCh37 (hg19) VCF-style: chr9-79865075-GAT-G.
Other names: c.2102_2103del, p.Ile701fs (NM_001018037.2, NM_001018038.3, NM_015186.4); short protein forms I701fs.
Identifiers: ClinVar variation 2747030 (VCV002747030.3), dbSNP rs2537713398, ClinGen allele CA2697557794.